The following is an entry in ClinVar:

NM_002439.5(MSH3):c.600_601del (p.Gln202fs)

Gene: MSH3 (mutS homolog 3; plus strand). Cytogenetic location: 5q14.1.
Variant type: Deletion.
Coding change: c.600_601del on transcript NM_002439.5 (MANE Select); coding-DNA positions 600 to 601, 2 bases deleted (CA; older notation c.600_601delCA).
Protein change: p.Gln202fs; shifts the reading frame from glutamine 202.
Molecular consequence: frameshift variant.
Genome position (GRCh38, 1-based): chr5:80,670,117-80,670,118, CA deleted. VCF-style (leftmost placement, unchanged base first): chr5-80670116-TCA-T. GRCh37 (hg19) VCF-style: chr5-79965935-TCA-T.
Other names: short protein forms Q202fs.
Identifiers: ClinVar variation 4071384 (VCV004071384.1).

ClinVar aggregate classification (germline): Pathogenic (1 of 4 stars; one submission).

Conditions:
Familial adenomatous polyposis 4 (FAP4). Also called: MSH3-related attenuated familial adenomatous polyposis. Identifiers: Orphanet 480536, MedGen C4310719, MONDO:0044300, OMIM 617100.

Submission:

Myriad Genetics, Inc.
Classification: Pathogenic for Familial adenomatous polyposis 4. Last evaluated: 2025-05-06. Review status: criteria provided, single submitter. Criteria: Myriad Autosomal Dominant, Autosomal Recessive and X-Linked Classification Criteria (2023). Collection method: clinical testing. Allele origin: unknown.
Comment: This variant is considered pathogenic. This variant creates a frameshift predicted to result in premature protein truncation.